The following is an entry in ClinVar:

NM_000214.3(JAG1):c.1248T>A (p.Cys416Ter)

Gene: JAG1 (jagged canonical Notch ligand 1; minus strand). Cytogenetic location: 20p12.2.
Variant type: single nucleotide variant.
Coding change: c.1248T>A on transcript NM_000214.3 (MANE Select); coding-DNA position 1248, T replaced by A.
Protein change: p.Cys416Ter; replaces cysteine 416 with a stop codon.
Molecular consequence: nonsense.
Genome position (GRCh38, 1-based): chr20:10,649,622, A>T on the plus strand (T>A on the coding strand, the complement: JAG1 is on the minus strand). VCF-style: chr20-10649622-A-T. GRCh37 (hg19) VCF-style: chr20-10630270-A-T.
Other names: short protein forms C416*.
Identifiers: ClinVar variation 4727248 (VCV004727248.1).

ClinVar aggregate classification (germline): Pathogenic (1 of 4 stars; one submission).

Conditions:
Alagille syndrome due to a JAG1 point mutation. Also called: JAG1-Related Alagille Syndrome; HEPATIC DUCTULAR HYPOPLASIA, SYNDROMATIC; Alagille Syndrome 1. Identifiers: Orphanet 261619, Orphanet 52, MedGen C1956125, MONDO:0016862, OMIM 118450.

Submission:

Labcorp Genetics (formerly Invitae), Labcorp
Classification: Pathogenic for Alagille syndrome due to a JAG1 point mutation. Last evaluated: 2025-10-14. Review status: criteria provided, single submitter. Criteria: Invitae Variant Classification Sherloc (09022015). Collection method: clinical testing. Allele origin: germline.
Comment: This sequence change creates a premature translational stop signal (p.Cys416*) in the JAG1 gene. It is expected to result in an absent or disrupted protein product. Loss-of-function variants in JAG1 are known to be pathogenic (PMID: 11180599). This variant is not present in population databases (gnomAD no frequency). This variant has not been reported in the literature in individuals affected with JAG1-related conditions. For these reasons, this variant has been classified as Pathogenic.

Literature cited by the submitters: PubMed 11180599.